The following is an entry in ClinVar:

ClinVar aggregate classification (germline): Likely benign (1 of 4 stars; one submission).

gnomAD v4.1: 1 of 1,613,102 alleles (0.000062%); no homozygotes.

Submission:

CeGaT Center for Human Genetics Tuebingen
Classification: Likely benign. Last evaluated: 2024-10-01. Review status: criteria provided, single submitter. Criteria: CeGaT Center For Human Genetics Tuebingen Variant Classification Criteria Version 2. Collection method: clinical testing. Allele origin: germline. Affected: yes. Observed: 1 variant allele.
Comment: NSD1: BP4, BP7

NM_022455.5(NSD1):c.816C>T (p.Asn272=)

Gene: NSD1 (nuclear receptor binding SET domain protein 1; plus strand). Cytogenetic location: 5q35.3.
Variant type: single nucleotide variant.
Coding change: c.816C>T on transcript NM_022455.5 (MANE Select); coding-DNA position 816, C replaced by T.
Protein change: p.Asn272=; no amino-acid change (asparagine 272 retained).
Molecular consequence: synonymous variant. On other transcripts: intron variant (8).
Genome position (GRCh38, 1-based): chr5:177,135,919, C>T. VCF-style: chr5-177135919-C-T. GRCh37 (hg19) VCF-style: chr5-176562920-C-T.
Other names: c.816C>T, p.Asn272= (NM_001409301.1, NM_001409302.1, NM_001409303.1); c.418-22C>T (NM_001409304.1); c.-36-22C>T (NM_001409305.1, NM_001409306.1, NM_001409308.1 and 4 more transcripts).
Identifiers: ClinVar variation 3388741 (VCV003388741.14).